The following is an entry in ClinVar:

ClinVar aggregate classification (germline): Uncertain significance (1 of 4 stars; one submission).

Submission:

Labcorp Genetics (formerly Invitae), Labcorp
Classification: Uncertain significance. Last evaluated: 2022-07-01. Review status: criteria provided, single submitter. Criteria: Invitae Variant Classification Sherloc (09022015). Collection method: clinical testing. Allele origin: germline.
Comment: Algorithms developed to predict the effect of missense changes on protein structure and function output the following: SIFT: "Tolerated"; PolyPhen-2: "Benign"; Align-GVGD: "Class C0". The tyrosine amino acid residue is found in multiple mammalian species, which suggests that this missense change does not adversely affect protein function. In summary, the available evidence is currently insufficient to determine the role of this variant in disease. Therefore, it has been classified as a Variant of Uncertain Significance. This variant has not been reported in the literature in individuals affected with C8B-related conditions. This variant is not present in population databases (gnomAD no frequency). This sequence change replaces asparagine, which is neutral and polar, with tyrosine, which is neutral and polar, at codon 381 of the C8B protein (p.Asn381Tyr).

NM_000066.4(C8B):c.1141A>T (p.Asn381Tyr)

Gene: C8B (complement C8 beta chain; minus strand). Cytogenetic location: 1p32.2.
Variant type: single nucleotide variant.
Coding change: c.1141A>T on transcript NM_000066.4 (MANE Select); coding-DNA position 1141, A replaced by T.
Protein change: p.Asn381Tyr; replaces asparagine 381 with tyrosine.
Molecular consequence: missense variant.
Genome position (GRCh38, 1-based): chr1:56,943,789, T>A on the plus strand (A>T on the coding strand, the complement: C8B is on the minus strand). VCF-style: chr1-56943789-T-A. GRCh37 (hg19) VCF-style: chr1-57409462-T-A.
Other names: c.985A>T, p.Asn329Tyr (NM_001278543.2); c.955A>T, p.Asn319Tyr (NM_001278544.2); short protein forms N319Y, N329Y, N381Y.
Identifiers: ClinVar variation 2012709 (VCV002012709.4), dbSNP rs2522722609, ClinGen allele CA340524955.